The following is an entry in ClinVar:

ClinVar aggregate classification (germline): Uncertain significance (1 of 4 stars; one submission).

Submission:

Women's Health and Genetics/Laboratory Corporation of America, LabCorp
Classification: Uncertain significance. Last evaluated: 2026-06-08. Review status: criteria provided, single submitter. Criteria: LabCorp Variant Classification Summary - May 2015. Collection method: clinical testing. Allele origin: germline.
Comment: Variant summary: SLC39A4 c.1816-1_1816delinsAA is located in a canonical splice-site in the last intron and is predicted to affect mRNA splicing resulting in a significantly altered protein due to either exon skipping, shortening, or inclusion of intronic material. Variants that disrupt the consensus splice site are a relatively common cause of aberrant splicing and loss of SLC39A4 function. Several computational tools predict a significant impact on normal splicing: Four predict the variant abolishes a 3' acceptor site. However, these predictions have yet to be confirmed by functional studies. The variant was absent in 250206 control chromosomes. The available data on variant occurrences in the general population are insufficient to allow any conclusion about variant significance. To our knowledge, no occurrence of c.1816-1_1816delinsAA in individuals affected with SLC39A4-related conditions and no experimental evidence demonstrating its impact on protein function have been reported. No submitters have cited clinical-significance assessments for this variant to ClinVar. Based on the evidence outlined above, the variant was classified as uncertain significance.

NM_130849.4(SLC39A4):c.1816-1_1816delinsAA

Gene: SLC39A4 (solute carrier family 39 member 4; minus strand). Cytogenetic location: 8q24.3.
Variant type: Indel.
Coding change: c.1816-1_1816delinsAA on transcript NM_130849.4 (MANE Select); the canonical splice acceptor site of the intron before coding-DNA position 1816 through coding-DNA position 1816, GC replaced by AA.
Molecular consequence: splice acceptor variant.
Genome position (GRCh38, 1-based): chr8:144,412,666-144,412,667, GC replaced by TT on the plus strand (GC replaced by AA on the coding strand, the reverse complement: SLC39A4 is on the minus strand). VCF-style: chr8-144412666-GC-TT. GRCh37 (hg19) VCF-style: chr8-145638050-GC-TT.
Other names: c.1534-1_1534delinsAA (NM_001374839.1); c.1741-1_1741delinsAA (NM_017767.3); c.322-1_322delinsAA (NM_001280557.2).
Identifiers: ClinVar variation 4887446 (VCV004887446.1).